The following is an entry in ClinVar:

NM_001958.5(EEF1A2):c.480_481delinsAA (p.Ala161Thr)

Genes: EEF1A2 (eukaryotic translation elongation factor 1 alpha 2; minus strand), LOC132090595 (Neanderthal introgressed variant-containing enhancer experimental_60987; plus strand). Cytogenetic location: 20q13.33.
Variant type: Indel.
Coding change: c.480_481delinsAA on transcript NM_001958.5 (MANE Select); coding-DNA positions 480 to 481, GG replaced by AA.
Protein change: p.Ala161Thr; replaces alanine 161 with threonine.
Molecular consequence: missense variant.
Genome position (GRCh38, 1-based): chr20:63,494,945-63,494,946, CC replaced by TT on the plus strand (GG replaced by AA on the coding strand, the reverse complement: EEF1A2 is on the minus strand). VCF-style: chr20-63494945-CC-TT. GRCh37 (hg19) VCF-style: chr20-62126298-CC-TT.
Other names: short protein forms A161T.
Identifiers: ClinVar variation 657517 (VCV000657517.7), dbSNP rs1600907762, ClinGen allele CA915953114.

ClinVar aggregate classification (germline): Uncertain significance (1 of 4 stars; one submission).

Conditions:
Developmental and epileptic encephalopathy, 33 (DEE33). Also called: Epileptic encephalopathy, early infantile, 33. Identifiers: Orphanet 442835, MedGen C4225337, MONDO:0014625, OMIM 616409.

Submission:

Labcorp Genetics (formerly Invitae), Labcorp
Classification: Uncertain significance for Developmental and epileptic encephalopathy, 33. Last evaluated: 2020-01-27. Review status: criteria provided, single submitter. Criteria: Invitae Variant Classification Sherloc (09022015). Collection method: clinical testing. Allele origin: germline.
Comment: In summary, the available evidence is currently insufficient to determine the role of this variant in disease. Therefore, it has been classified as a Variant of Uncertain Significance. Algorithms developed to predict the effect of missense changes on protein structure and function (SIFT, PolyPhen-2, Align-GVGD) all suggest that this variant is likely to be tolerated, but these predictions have not been confirmed by published functional studies and their clinical significance is uncertain. This variant has not been reported in the literature in individuals with EEF1A2-related disease. This variant is not present in population databases (ExAC no frequency). This sequence change replaces alanine with threonine at codon 161 of the EEF1A2 protein (p.Ala161Thr). The alanine residue is weakly conserved and there is a small physicochemical difference between alanine and threonine.